The following is an entry in ClinVar:

ClinVar aggregate classification (germline): Benign (1 of 4 stars; one submission).

Allele frequency attached by ClinVar (database versions not stated): ESP Exome Variant Server 0.92081; TOPMed 0.92637; gnomAD 0.93057; 1000 Genomes Project 30x 0.93988; 1000 Genomes Project 0.94069; gnomAD exomes 0.94798; ExAC 0.94839.
gnomAD v4.1: 1,516,774 of 1,603,040 alleles (95%); highest among the groups gnomAD compares: East Asian, 100%; 718,082 homozygotes.

Submission:

Unidad de Genómica Garrahan, Hospital de Pediatría Garrahan
Classification: Benign. Last evaluated: 2024-01-24. Review status: criteria provided, single submitter. Criteria: ACMG Guidelines, 2015. Collection method: clinical testing. Allele origin: germline. Affected: no. Observed: 88 variant alleles.
Comment: This variant is classified as Benign based on local population frequency. This variant was detected in 100% of patients studied by a panel of primary immunodeficiencies. Number of patients: 88. Only high quality variants are reported.

NM_001282426.2(PIK3CG):c.2392-21T>C

Gene: PIK3CG (phosphatidylinositol-4,5-bisphosphate 3-kinase catalytic subunit gamma; plus strand). Cytogenetic location: 7q22.3.
Variant type: single nucleotide variant.
Coding change: c.2392-21T>C on transcript NM_001282426.2 (MANE Select); 21 bases into the intron before coding-DNA position 2392, T replaced by C.
Molecular consequence: intron variant.
Genome position (GRCh38, 1-based): chr7:106,879,498, T>C. VCF-style: chr7-106879498-T-C. GRCh37 (hg19) VCF-style: chr7-106519943-T-C.
Other names: c.2392-21T>C (NM_001282427.2, NM_002649.3).
Identifiers: ClinVar variation 2688538 (VCV002688538.2), dbSNP rs849370, ClinGen allele CA4429578.
Genomic context (GRCh38, chr7:106,879,498, plus strand): 5'-GTTTTGCAAGAGAATTTGTGTCTCCACCATGTATATTCGTTATTCATTGTGTGTGGGGAA[T>C]ATGTGACTGCTTCCTTACAGATTGAAAAATGTAAAGTAATGGCCTCCAAGAAAAAACCAC-3'